The following is an entry in ClinVar:

ClinVar aggregate classification (germline): Uncertain significance. Review status: criteria provided, multiple submitters, no conflicts (2 of 4 stars). 3 submissions from 3 submitters: Uncertain significance (3). Last evaluated 2024-02-28.

Conditions:
Inborn genetic diseases. Identifiers: MedGen C0950123, MeSH D030342.

Allele frequency attached by ClinVar (database versions not stated): TOPMed below 0.00001.

Submissions (3):

Ambry Genetics
Classification: Uncertain significance for Inborn genetic diseases. Last evaluated: 2024-02-28. Review status: criteria provided, single submitter. Criteria: Ambry Variant Classification Scheme 2023. Collection method: clinical testing. Allele origin: germline.

Labcorp Genetics (formerly Invitae), Labcorp
Classification: Uncertain significance. Last evaluated: 2023-06-09. Review status: criteria provided, single submitter. Criteria: Invitae Variant Classification Sherloc (09022015). Collection method: clinical testing. Allele origin: germline.
Comment: In summary, the available evidence is currently insufficient to determine the role of this variant in disease. Therefore, it has been classified as a Variant of Uncertain Significance. An algorithm developed to predict the effect of missense changes on protein structure and function (PolyPhen-2) suggests that this variant is likely to be disruptive. This variant has not been reported in the literature in individuals affected with CACNA2D4-related conditions. This variant is not present in population databases (gnomAD no frequency). This sequence change replaces glycine, which is neutral and non-polar, with serine, which is neutral and polar, at codon 811 of the CACNA2D4 protein (p.Gly811Ser).

Blueprint Genetics
Classification: Uncertain significance. Last evaluated: 2019-11-20. Review status: criteria provided, single submitter. Criteria: ACMG Guidelines, 2015. Collection method: clinical testing. Allele origin: germline.

NM_172364.5(CACNA2D4):c.2431G>A (p.Gly811Ser)

Gene: CACNA2D4 (calcium voltage-gated channel auxiliary subunit alpha2delta 4; minus strand). Cytogenetic location: 12p13.33.
Variant type: single nucleotide variant.
Coding change: c.2431G>A on transcript NM_172364.5 (MANE Select); coding-DNA position 2431, G replaced by A.
Protein change: p.Gly811Ser; replaces glycine 811 with serine.
Molecular consequence: missense variant.
Genome position (GRCh38, 1-based): chr12:1,844,441, C>T on the plus strand (G>A on the coding strand, the complement: CACNA2D4 is on the minus strand). VCF-style: chr12-1844441-C-T. GRCh37 (hg19) VCF-style: chr12-1953607-C-T.
Other names: c.2431G>A (NM_172364.4); short protein forms G811S.
Identifiers: ClinVar variation 2706488 (VCV002706488.5), dbSNP rs1369184052, ClinGen allele CA383357963.